The following is an entry in ClinVar:

ClinVar aggregate classification (germline): Benign/Likely benign. Review status: criteria provided, multiple submitters, no conflicts (2 of 4 stars). 6 submissions from 6 submitters: Benign (4); Likely benign (1). 1 of the submissions does not count toward it. Last evaluated 2026-01-07.

Conditions:
Megalencephaly-polymicrogyria-postaxial polydactyly-hydrocephalus syndrome. Also called: MPPH Syndrome; MEG-PMG-MEGACC SYNDROME. Identifiers: Orphanet 83473, MedGen C1863924, MONDO:0019375.
PIK3R2-related disorder. Also called: PIK3R2-related condition.

Allele frequency attached by ClinVar (database versions not stated): gnomAD exomes 0.00007 and 0.00026; ExAC 0.00046; gnomAD 0.00098 and 0.00108; TOPMed 0.00104; 1000 Genomes Project 30x 0.00109; 1000 Genomes Project 0.00120; ESP Exome Variant Server 0.00131.
gnomAD v4.1: 268 of 1,613,426 alleles (0.017%); highest among the groups gnomAD compares: African/African-American, 0.32%; no homozygotes.

Submissions (6):

Labcorp Genetics (formerly Invitae), Labcorp
Classification: Benign for Megalencephaly-polymicrogyria-postaxial polydactyly-hydrocephalus syndrome. Last evaluated: 2026-01-07. Review status: criteria provided, single submitter. Criteria: Invitae Variant Classification Sherloc (09022015). Collection method: clinical testing. Allele origin: germline.

Blueprint Genetics
Classification: Likely benign. Last evaluated: 2024-09-09. Review status: criteria provided, single submitter. Criteria: ACMG Guidelines, 2015. Collection method: clinical testing. Allele origin: germline.

CeGaT Center for Human Genetics Tuebingen
Classification: Benign. Last evaluated: 2022-04-01. Review status: criteria provided, single submitter. Criteria: CeGaT Center For Human Genetics Tuebingen Variant Classification Criteria Version 2. Collection method: clinical testing. Allele origin: germline. Affected: yes. Observed: 1 variant allele.
Comment: PIK3R2: BS1, BS2

GeneDx
Classification: Benign. Last evaluated: 2020-12-14. Review status: criteria provided, single submitter. Criteria: GeneDx Variant Classification Process June 2021. Collection method: clinical testing. Allele origin: germline. Affected: yes.

Breakthrough Genomics
Classification: Benign. Review status: criteria provided, single submitter. Criteria: ACMG Guidelines, 2015. Collection method: not provided. Allele origin: germline. Inheritance: Autosomal dominant inheritance. Affected: yes.

PreventionGenetics, part of Exact Sciences
Classification: Likely benign for PIK3R2-related condition. Last evaluated: 2022-11-17. Review status: no assertion criteria provided. Collection method: clinical testing. Allele origin: germline. Not counted in ClinVar's aggregate classification.
Comment: This variant is classified as likely benign based on ACMG/AMP sequence variant interpretation guidelines (Richards et al. 2015 PMID: 25741868, with internal and published modifications).

NM_005027.4(PIK3R2):c.1953G>A (p.Gln651=)

Gene: PIK3R2 (phosphoinositide-3-kinase regulatory subunit 2; plus strand). Cytogenetic location: 19p13.11.
Variant type: single nucleotide variant.
Coding change: c.1953G>A on transcript NM_005027.4 (MANE Select); coding-DNA position 1953, G replaced by A.
Protein change: p.Gln651=; no amino-acid change (glutamine 651 retained).
Molecular consequence: synonymous variant. On other transcripts: non-coding transcript variant (2).
Genome position (GRCh38, 1-based): chr19:18,168,870, G>A. VCF-style: chr19-18168870-G-A. GRCh37 (hg19) VCF-style: chr19-18279680-G-A.
Identifiers: ClinVar variation 715106 (VCV000715106.38), dbSNP rs112859649, ClinGen allele CA9307191.